The following is an entry in ClinVar:

ClinVar aggregate classification (germline): Likely benign (0 of 4 stars; one submission).

Conditions:
TNXB-related disorder. Also called: TNXB-related condition.

Submission:

PreventionGenetics, part of Exact Sciences
Classification: Likely benign for TNXB-related condition. Last evaluated: 2019-09-19. Review status: no assertion criteria provided. Collection method: clinical testing. Allele origin: germline.
Comment: This variant is classified as likely benign based on ACMG/AMP sequence variant interpretation guidelines (Richards et al. 2015 PMID: 25741868, with internal and published modifications).

NM_001365276.2(TNXB):c.9417T>C (p.Pro3139=)

Gene: TNXB (tenascin XB; minus strand). Cytogenetic location: 6p21.33.
Variant type: single nucleotide variant.
Coding change: c.9417T>C on transcript NM_001365276.2 (MANE Select); coding-DNA position 9417, T replaced by C.
Protein change: p.Pro3139=; no amino-acid change (proline 3139 retained).
Molecular consequence: synonymous variant.
Genome position (GRCh38, 1-based): chr6:32,050,020, A>G on the plus strand (T>C on the coding strand, the complement: TNXB is on the minus strand). VCF-style: chr6-32050020-A-G. GRCh37 (hg19) VCF-style: chr6-32017797-A-G.
Other names: c.10158T>C, p.Pro3386= (NM_001428335.1); c.9411T>C, p.Pro3137= (NM_019105.8).
Identifiers: ClinVar variation 3354944 (VCV003354944.1).